The following is an entry in ClinVar:

NM_005120.3(MED12):c.5206G>A (p.Ala1736Thr)

Gene: MED12 (mediator complex subunit 12; plus strand). Cytogenetic location: Xq13.1.
Variant type: single nucleotide variant.
Coding change: c.5206G>A on transcript NM_005120.3 (MANE Select); coding-DNA position 5206, G replaced by A.
Protein change: p.Ala1736Thr; replaces alanine 1736 with threonine.
Molecular consequence: missense variant.
Genome position (GRCh38, 1-based): chrX:71,136,461, G>A. VCF-style: chrX-71136461-G-A. GRCh37 (hg19) VCF-style: chrX-70356311-G-A.
Other names: short protein forms A1736T.
Identifiers: ClinVar variation 1197370 (VCV001197370.11), dbSNP rs1042718707, ClinGen allele CA330983352.

ClinVar aggregate classification (germline): Conflicting classifications of pathogenicity. Review status: criteria provided, conflicting classifications (1 of 4 stars). 4 submissions from 4 submitters: Uncertain significance (1); Likely benign (3). Last evaluated 2025-11-19.

Conditions:
FG syndrome (FGS). Identifiers: MedGen C0220769, MONDO:0002010.
Familial thoracic aortic aneurysm and aortic dissection (TAAD). Also called: Thoracic aortic aneurysms and dissections. Identifiers: Orphanet 91387, MedGen C4707243, MONDO:0019625.

Allele frequency attached by ClinVar (database versions not stated): gnomAD 0.00001; gnomAD exomes 0.00001 and 0.00002; TOPMed 0.00003.
gnomAD v4.1: 27 of 1,207,198 alleles (0.0022%); highest among the groups gnomAD compares: Non-Finnish European, 0.0029%; no homozygotes.

Submissions (4):

Labcorp Genetics (formerly Invitae), Labcorp
Classification: Likely benign for FG syndrome. Last evaluated: 2025-11-19. Review status: criteria provided, single submitter. Criteria: Invitae Variant Classification Sherloc (09022015). Collection method: clinical testing. Allele origin: germline.

GeneDx
Classification: Likely benign. Last evaluated: 2020-04-09. Review status: criteria provided, single submitter. Criteria: GeneDx Variant Classification Process June 2021. Collection method: clinical testing. Allele origin: germline. Affected: yes.

Ambry Genetics
Classification: Uncertain significance for Familial thoracic aortic aneurysm and aortic dissection. Last evaluated: 2018-06-12. Review status: criteria provided, single submitter. Criteria: Ambry Variant Classification Scheme 2023. Collection method: clinical testing. Allele origin: germline.
Comment: The p.A1736T variant (also known as c.5206G>A), located in coding exon 37 of the MED12 gene, results from a G to A substitution at nucleotide position 5206. The alanine at codon 1736 is replaced by threonine, an amino acid with similar properties. This amino acid position is not well conserved in available vertebrate species, and threonine is the reference amino acid in other vertebrate species. In addition, this alteration is predicted to be tolerated by in silico analysis. Since supporting evidence is limited at this time, the clinical significance of this alteration remains unclear.

Blueprint Genetics
Classification: Likely benign. Last evaluated: 2018-05-18. Review status: criteria provided, single submitter. Criteria: ACMG Guidelines, 2015. Collection method: clinical testing. Allele origin: germline.